The following is an entry in ClinVar:

NM_001458.5(FLNC):c.5738C>T (p.Thr1913Ile)

Genes: FLNC (filamin C; plus strand), FLNC-AS1 (FLNC antisense RNA 1; minus strand). Cytogenetic location: 7q32.1.
Variant type: single nucleotide variant.
Coding change: c.5738C>T on transcript NM_001458.5 (MANE Select); coding-DNA position 5738, C replaced by T.
Protein change: p.Thr1913Ile; replaces threonine 1913 with isoleucine.
Molecular consequence: missense variant.
Genome position (GRCh38, 1-based): chr7:128,851,524, C>T. VCF-style: chr7-128851524-C-T. GRCh37 (hg19) VCF-style: chr7-128491578-C-T.
Other names: c.5639C>T, p.Thr1880Ile (NM_001127487.2); short protein forms T1913I, T1880I.
Identifiers: ClinVar variation 2585959 (VCV002585959.2), dbSNP rs2536656385, ClinGen allele CA369208243.

ClinVar aggregate classification (germline): Uncertain significance (1 of 4 stars; one submission).

Conditions:
Cardiovascular phenotype. Identifiers: MedGen CN230736.

Submission:

Ambry Genetics
Classification: Uncertain significance for Cardiovascular phenotype. Last evaluated: 2023-08-01. Review status: criteria provided, single submitter. Criteria: Ambry Variant Classification Scheme 2023. Collection method: clinical testing. Allele origin: germline.
Comment: The p.T1913I variant (also known as c.5738C>T), located in coding exon 35 of the FLNC gene, results from a C to T substitution at nucleotide position 5738. The threonine at codon 1913 is replaced by isoleucine, an amino acid with similar properties. This amino acid position is conserved. In addition, this alteration is predicted to be deleterious by in silico analysis. Since supporting evidence is limited at this time, the clinical significance of this alteration remains unclear.